The following is an entry in ClinVar:

NM_001366244.2(GOLGA2):c.2332C>T (p.Gln778Ter)

Gene: GOLGA2 (golgin A2; minus strand). Cytogenetic location: 9q34.11.
Variant type: single nucleotide variant.
Coding change: c.2332C>T on transcript NM_001366244.2 (MANE Select); coding-DNA position 2332, C replaced by T.
Protein change: p.Gln778Ter; replaces glutamine 778 with a stop codon.
Molecular consequence: nonsense.
Genome position (GRCh38, 1-based): chr9:128,258,156, G>A on the plus strand (C>T on the coding strand, the complement: GOLGA2 is on the minus strand). VCF-style: chr9-128258156-G-A. GRCh37 (hg19) VCF-style: chr9-131020435-G-A.
Other names: c.2251C>T, p.Gln751Ter (NM_001366246.2, NM_004486.6); c.2317C>T, p.Gln773Ter (NM_001389695.2); c.2314C>T, p.Gln772Ter (NM_001389696.2); c.2239C>T, p.Gln747Ter (NM_001389697.2); c.2233C>T, p.Gln745Ter (NM_001389698.2); c.2212C>T, p.Gln738Ter (NM_001389699.2, NM_001389700.2); c.2170C>T, p.Gln724Ter (NM_001389701.2); c.2146C>T, p.Gln716Ter (NM_001389702.2); and 3 more; short protein forms Q620*, Q627*, Q711*, Q716*, Q724*, Q738*, Q745*, Q747*.
Identifiers: ClinVar variation 1878639 (VCV001878639.2), dbSNP rs1830019170, ClinGen allele CA375005712.
Genomic context (GRCh38, chr9:128,258,156, plus strand): 5'-GGTGAGCCAGGCGCCGGCAGCGCACCCTTTGCTCCTTCAGCTGCCCACGTAGCCTTGCCT[G>A]CTCCTCCTCGGCACTGGCTACAGCTGAGTTGAAAAATGCCACCTGCAGGCAAGAGGGGTG-3'

ClinVar aggregate classification (germline): Likely pathogenic. Review status: criteria provided, single submitter (1 of 4 stars). 2 submissions from 2 submitters: Likely pathogenic (1). 1 of the submissions does not count toward it.

Conditions:
Developmental delay with hypotonia, myopathy, and brain abnormalities (DEDHMB). Identifiers: MedGen C5830270, MONDO:0859375, OMIM 620240.
Neuromuscular disease. Also called: Neuromyopathy; Neuromuscular disorder. Identifiers: Orphanet 68381, MedGen C0027868, MeSH D009468, MONDO:0019056.

Submissions (2):

Neuberg Centre For Genomic Medicine, NCGM
Classification: Likely pathogenic for Neuromuscular disease. Review status: criteria provided, single submitter. Criteria: ACMG Guidelines, 2015. Collection method: clinical testing. Allele origin: germline. Affected: yes.
Comment: The stop gained p.Q766* in GOLGA2 (NM_004486.4) has not been reported previously as a pathogenic variant nor as a benign variant, to our knowledge. The p.Q766* variant is novel (not in any individuals) in gnomAD Exomes and is novel (not in any individuals) in 1000 Genomes. This variant is predicted to cause loss of normal protein function through protein truncation. The GOLGA2 gene is intolerant to loss of function(pLI=0.99). A single patient has been reported with disease causing variants in this gene and hence the gene is classified as gene of uncertain significance. For these reasons, this variant has also been classified as Uncertain Significance.

OMIM
Classification: Pathogenic for DEVELOPMENTAL DELAY WITH HYPOTONIA, MYOPATHY, AND BRAIN ABNORMALITIES. Last evaluated: 2023-03-09. Review status: no assertion criteria provided. Collection method: literature only. Allele origin: germline. Not counted in ClinVar's aggregate classification.

Literature cited by the submitters: PubMed 34424553 (cited by OMIM).